The following is an entry in ClinVar:

ClinVar aggregate classification (germline): Uncertain significance (1 of 4 stars; one submission).

gnomAD v4.1: 6 of 1,550,042 alleles (0.00039%); highest among the groups gnomAD compares: Non-Finnish European, 0.00052%; no homozygotes.

Submission:

Mayo Clinic Laboratories, Mayo Clinic
Classification: Uncertain significance. Last evaluated: 2024-05-13. Review status: criteria provided, single submitter. Criteria: ACMG Guidelines, 2015. Collection method: clinical testing. Allele origin: germline. Observed: 1 variant allele.
Comment: BP4, PM2

NM_001367624.2(ZNF469):c.2076C>G (p.His692Gln)

Gene: ZNF469 (zinc finger protein 469; plus strand). Cytogenetic location: 16q24.2.
Variant type: single nucleotide variant.
Coding change: c.2076C>G on transcript NM_001367624.2 (MANE Select); coding-DNA position 2076, C replaced by G.
Protein change: p.His692Gln; replaces histidine 692 with glutamine.
Molecular consequence: missense variant.
Genome position (GRCh38, 1-based): chr16:88,429,546, C>G. VCF-style: chr16-88429546-C-G. GRCh37 (hg19) VCF-style: chr16-88495954-C-G.
Other names: p.His692Gln; short protein forms H692Q.
Identifiers: ClinVar variation 3380409 (VCV003380409.1).